The following is an entry in ClinVar:

ClinVar aggregate classification (germline): Uncertain significance. Review status: criteria provided, multiple submitters, no conflicts (2 of 4 stars). 2 submissions from 2 submitters: Uncertain significance (2). Last evaluated 2025-03-25.

Conditions:
Inborn genetic diseases. Identifiers: MedGen C0950123, MeSH D030342.

gnomAD v4.1: 6 of 1,614,156 alleles (0.00037%); highest among the groups gnomAD compares: South Asian, 0.0022%; no homozygotes.

Submissions (2):

Labcorp Genetics (formerly Invitae), Labcorp
Classification: Uncertain significance. Last evaluated: 2025-03-25. Review status: criteria provided, single submitter. Criteria: Invitae Variant Classification Sherloc (09022015). Collection method: clinical testing. Allele origin: germline.
Comment: This sequence change replaces threonine, which is neutral and polar, with isoleucine, which is neutral and non-polar, at codon 464 of the GDF5 protein (p.Thr464Ile). This variant is present in population databases (rs760521972, gnomAD 0.003%). This variant has not been reported in the literature in individuals affected with GDF5-related conditions. Invitae Evidence Modeling of protein sequence and biophysical properties (such as structural, functional, and spatial information, amino acid conservation, physicochemical variation, residue mobility, and thermodynamic stability) has been performed for this missense variant. However, the output from this modeling did not meet the statistical confidence thresholds required to predict the impact of this variant on GDF5 protein function. In summary, the available evidence is currently insufficient to determine the role of this variant in disease. Therefore, it has been classified as a Variant of Uncertain Significance.

Ambry Genetics
Classification: Uncertain significance for Inborn genetic diseases. Last evaluated: 2025-03-06. Review status: criteria provided, single submitter. Criteria: Ambry Variant Classification Scheme 2023. Collection method: clinical testing. Allele origin: germline.

NM_000557.5(GDF5):c.1391C>T (p.Thr464Ile)

Genes: GDF5 (growth differentiation factor 5; minus strand), GDF5-AS1 (GDF5 antisense RNA 1; plus strand). Cytogenetic location: 20q11.22.
Variant type: single nucleotide variant.
Coding change: c.1391C>T on transcript NM_000557.5 (MANE Select); coding-DNA position 1391, C replaced by T.
Protein change: p.Thr464Ile; replaces threonine 464 with isoleucine.
Molecular consequence: missense variant. On other transcripts: non-coding transcript variant (1).
Genome position (GRCh38, 1-based): chr20:35,434,024, G>A on the plus strand (C>T on the coding strand, the complement: GDF5 is on the minus strand). VCF-style: chr20-35434024-G-A. GRCh37 (hg19) VCF-style: chr20-34021822-G-A.
Other names: c.1391C>T (NM_000557.2); c.1391C>T, p.Thr464Ile (NM_001319138.2); short protein forms T464I.
Identifiers: ClinVar variation 3607380 (VCV003607380.3).
Genomic context (GRCh38, chr20:35,434,024, plus strand): 5'-TTGTTGGCAGAGTCAATGAAGAGGATGCTGATGGGACTCAGCCGCGTGGGCACACAGCAG[G>A]TGGGTGGTGTGGACTCGGGGTCCATGGAGTTCATCAGGGTCTGGATGACTGCATGATTCG-3'
Protein context (NP_000548.2, residues 454-474): NSMDPESTPP[Thr464Ile]CCVPTRLSPI